The following is an entry in ClinVar:

ClinVar aggregate classification (germline): Uncertain significance (1 of 4 stars; one submission).

Conditions:
Nephronophthisis. Also called: Juvenile Nephronophthisis. Identifiers: Orphanet 655, MedGen C0687120, MONDO:0019005, HP:0000090.

Submission:

Labcorp Genetics (formerly Invitae), Labcorp
Classification: Uncertain significance for Nephronophthisis. Last evaluated: 2022-10-17. Review status: criteria provided, single submitter. Criteria: Invitae Variant Classification Sherloc (09022015). Collection method: clinical testing. Allele origin: germline.
Comment: This sequence change replaces threonine, which is neutral and polar, with alanine, which is neutral and non-polar, at codon 392 of the INVS protein (p.Thr392Ala). This variant is not present in population databases (gnomAD no frequency). This variant has not been reported in the literature in individuals affected with INVS-related conditions. Algorithms developed to predict the effect of missense changes on protein structure and function (SIFT, PolyPhen-2, Align-GVGD) all suggest that this variant is likely to be disruptive. In summary, the available evidence is currently insufficient to determine the role of this variant in disease. Therefore, it has been classified as a Variant of Uncertain Significance.

NM_014425.5(INVS):c.1174A>G (p.Thr392Ala)

Gene: INVS (inversin; plus strand). Cytogenetic location: 9q31.1.
Variant type: single nucleotide variant.
Coding change: c.1174A>G on transcript NM_014425.5 (MANE Select); coding-DNA position 1174, A replaced by G.
Protein change: p.Thr392Ala; replaces threonine 392 with alanine.
Molecular consequence: missense variant. On other transcripts: non-coding transcript variant (1).
Genome position (GRCh38, 1-based): chr9:100,252,378, A>G. VCF-style: chr9-100252378-A-G. GRCh37 (hg19) VCF-style: chr9-103014660-A-G.
Other names: c.886A>G, p.Thr296Ala (NM_001318381.2); c.196A>G, p.Thr66Ala (NM_001318382.2); short protein forms T66A, T296A, T392A.
Identifiers: ClinVar variation 1981358 (VCV001981358.4), dbSNP rs1588123126, ClinGen allele CA374364457.